The following is an entry in ClinVar:

ClinVar aggregate classification (germline): Uncertain significance (1 of 4 stars; one submission).

Conditions:
Familial thoracic aortic aneurysm and aortic dissection (TAAD). Also called: Thoracic aortic aneurysms and dissections. Identifiers: Orphanet 91387, MedGen C4707243, MONDO:0019625.
Marfan syndrome (MFS). Also called: MARFAN SYNDROME, TYPE I; Marfan syndrome type 1; Marfan's syndrome; Marfan syndrome, classic; FBN1-Related Marfan Syndrome. Identifiers: Orphanet 284963, Orphanet 558, MedGen C0024796, MONDO:0007947, OMIM 154700.

Submission:

Labcorp Genetics (formerly Invitae), Labcorp
Classification: Uncertain significance for Marfan syndrome; Familial thoracic aortic aneurysm and aortic dissection. Last evaluated: 2022-08-23. Review status: criteria provided, single submitter. Criteria: Invitae Variant Classification Sherloc (09022015). Collection method: clinical testing. Allele origin: germline.
Comment: In summary, the available evidence is currently insufficient to determine the role of this variant in disease. Therefore, it has been classified as a Variant of Uncertain Significance. Algorithms developed to predict the effect of sequence changes on RNA splicing suggest that this variant may create or strengthen a splice site. Advanced modeling of protein sequence and biophysical properties (such as structural, functional, and spatial information, amino acid conservation, physicochemical variation, residue mobility, and thermodynamic stability) performed at Invitae indicates that this missense variant is expected to disrupt FBN1 protein function. This variant has not been reported in the literature in individuals affected with FBN1-related conditions. This variant is not present in population databases (gnomAD no frequency). This sequence change replaces glycine, which is neutral and non-polar, with arginine, which is basic and polar, at codon 779 of the FBN1 protein (p.Gly779Arg).

NM_000138.5(FBN1):c.2335G>A (p.Gly779Arg)

Gene: FBN1 (fibrillin 1; minus strand). Cytogenetic location: 15q21.1.
Variant type: single nucleotide variant.
Coding change: c.2335G>A on transcript NM_000138.5 (MANE Select); coding-DNA position 2335, G replaced by A.
Protein change: p.Gly779Arg; replaces glycine 779 with arginine.
Molecular consequence: missense variant.
Genome position (GRCh38, 1-based): chr15:48,496,184, C>T on the plus strand (G>A on the coding strand, the complement: FBN1 is on the minus strand). VCF-style: chr15-48496184-C-T. GRCh37 (hg19) VCF-style: chr15-48788381-C-T.
Other names: c.2335G>A, p.Gly779Arg (NM_001406716.1); short protein forms G779R.
Identifiers: ClinVar variation 2066411 (VCV002066411.4), dbSNP rs2505573758, ClinGen allele CA392335470.